The following is an entry in ClinVar:

NM_001211.6(BUB1B):c.2828C>T (p.Ala943Val)

Genes: BUB1B (BUB1 mitotic checkpoint serine/threonine kinase B; plus strand), BUB1B-PAK6 (BUB1B-PAK6 readthrough; plus strand). Cytogenetic location: 15q15.1.
Variant type: single nucleotide variant.
Coding change: c.2828C>T on transcript NM_001211.6 (MANE Select); coding-DNA position 2828, C replaced by T.
Protein change: p.Ala943Val; replaces alanine 943 with valine.
Molecular consequence: missense variant. On other transcripts: 5 prime UTR variant (2).
Genome position (GRCh38, 1-based): chr15:40,217,645, C>T. VCF-style: chr15-40217645-C-T. GRCh37 (hg19) VCF-style: chr15-40509846-C-T.
Other names: c.-223C>T (NM_001128628.3); c.-140C>T (NM_001128629.3); short protein forms A943V.
Identifiers: ClinVar variation 2003743 (VCV002003743.4), dbSNP rs2542585134, ClinGen allele CA391688113.

ClinVar aggregate classification (germline): Uncertain significance (1 of 4 stars; one submission).

Conditions:
Mosaic variegated aneuploidy syndrome 1 (MVA1). Also called: Warburton-Anyane-Yeboa syndrome. Identifiers: Orphanet 1052, MedGen C1850343, MONDO:0009759, OMIM 257300.

Submission:

Labcorp Genetics (formerly Invitae), Labcorp
Classification: Uncertain significance for Mosaic variegated aneuploidy syndrome 1. Last evaluated: 2022-06-10. Review status: criteria provided, single submitter. Criteria: Invitae Variant Classification Sherloc (09022015). Collection method: clinical testing. Allele origin: germline.
Comment: In summary, the available evidence is currently insufficient to determine the role of this variant in disease. Therefore, it has been classified as a Variant of Uncertain Significance. Algorithms developed to predict the effect of missense changes on protein structure and function (SIFT, PolyPhen-2, Align-GVGD) all suggest that this variant is likely to be tolerated. This variant has not been reported in the literature in individuals affected with BUB1B-related conditions. This variant is not present in population databases (gnomAD no frequency). This sequence change replaces alanine, which is neutral and non-polar, with valine, which is neutral and non-polar, at codon 943 of the BUB1B protein (p.Ala943Val).